The following is an entry in ClinVar:

ClinVar aggregate classification (germline): Pathogenic (1 of 4 stars; one submission).

Conditions:
Intellectual disability, autosomal recessive 53 (NEDHSCA). Also called: GLYCOSYLPHOSPHATIDYLINOSITOL BIOSYNTHESIS DEFECT 13; Mental retardation, autosomal recessive 53; NEURODEVELOPMENTAL DISORDER WITH OR WITHOUT HYPOTONIA, SEIZURES, AND CEREBELLAR ATROPHY. Identifiers: Orphanet 488635, MedGen C4310794, MONDO:0014832, OMIM 616917.

Allele frequency attached by ClinVar (database versions not stated): TOPMed 0.00002.

Submission:

Labcorp Genetics (formerly Invitae), Labcorp
Classification: Pathogenic for Intellectual disability, autosomal recessive 53. Last evaluated: 2023-09-07. Review status: criteria provided, single submitter. Criteria: Invitae Variant Classification Sherloc (09022015). Collection method: clinical testing. Allele origin: germline.
Comment: For these reasons, this variant has been classified as Pathogenic. This variant has not been reported in the literature in individuals affected with PIGG-related conditions. This variant is not present in population databases (gnomAD no frequency). This sequence change creates a premature translational stop signal (p.Leu777*) in the PIGG gene. It is expected to result in an absent or disrupted protein product. Loss-of-function variants in PIGG are known to be pathogenic (PMID: 26996948, 28581210, 28771251).

Literature cited by the submitters: PubMed 26996948; PubMed 28581210; PubMed 28771251.

NM_001127178.3(PIGG):c.2330T>G (p.Leu777Ter)

Gene: PIGG (phosphatidylinositol glycan anchor biosynthesis class G (EMM blood group); plus strand). Cytogenetic location: 4p16.3.
Variant type: single nucleotide variant.
Coding change: c.2330T>G on transcript NM_001127178.3 (MANE Select); coding-DNA position 2330, T replaced by G.
Protein change: p.Leu777Ter; replaces leucine 777 with a stop codon.
Molecular consequence: nonsense. On other transcripts: non-coding transcript variant (6).
Genome position (GRCh38, 1-based): chr4:530,504, T>G. VCF-style: chr4-530504-T-G. GRCh37 (hg19) VCF-style: chr4-524293-T-G.
Other names: c.2063T>G, p.Leu688Ter (NM_001289051.2, NM_001345986.2); c.797T>G, p.Leu266Ter (NM_001345990.2, NM_001345991.2); c.1232T>G, p.Leu411Ter (NM_001345994.2); c.2306T>G, p.Leu769Ter (NM_017733.5); c.1931T>G, p.Leu644Ter (NM_001289052.2); c.2039T>G, p.Leu680Ter (NM_001345987.2); c.1301T>G, p.Leu434Ter (NM_001345988.2); short protein forms L434*, L680*, L688*, L266*, L769*, L777*, L411*, L644*.
Identifiers: ClinVar variation 3017780 (VCV003017780.3), dbSNP rs1728784661, ClinGen allele CA355909786.
Genomic context (GRCh38, chr4:530,504, plus strand): 5'-TTGAAGCTCGTTTTGTTTATGTCTTTGTCCTTGGCATTCTGTTCACGGGCACCAAAGACT[T>G]ACTTAAATCTCAAGTCATTGCTGCAGACTTCAAACTCAAGACTGTAGGTTTATGGGAGAT-3'